The following is an entry in ClinVar:

ClinVar aggregate classification (germline): Uncertain significance. Review status: criteria provided, multiple submitters, no conflicts (2 of 4 stars). 2 submissions from 2 submitters: Uncertain significance (2). Last evaluated 2025-01-21.

Conditions:
Immunodeficiency 49 (IMD49). Also called: IMMUNODEFICIENCY 49, SEVERE COMBINED; SEVERE COMBINED IMMUNODEFICIENCY, T CELL-NEGATIVE, B CELL-POSITIVE, NK CELL-POSITIVE, WITH INTELLECTUAL DISABILITY, SPASTICITY, AND CRANIOFACIAL ABNORMALITIES; SCID, T CELL-NEGATIVE, B CELL-POSITIVE, NK CELL-POSITIVE, WITH INTELLECTUAL DISABILITY, SPASTICITY, AND CRANIOFACIAL ABNORMALITIES. Identifiers: MedGen C4310656, MONDO:0014981, OMIM 617237.

gnomAD v4.1: 3 of 1,614,102 alleles (0.00019%); highest among the groups gnomAD compares: South Asian, 0.0033%; no homozygotes.

Submissions (2):

Labcorp Genetics (formerly Invitae), Labcorp
Classification: Uncertain significance. Last evaluated: 2025-01-21. Review status: criteria provided, single submitter. Criteria: Invitae Variant Classification Sherloc (09022015). Collection method: clinical testing. Allele origin: germline.
Comment: This sequence change replaces arginine, which is basic and polar, with serine, which is neutral and polar, at codon 103 of the BCL11B protein (p.Arg103Ser). This variant is present in population databases (no rsID available, gnomAD 0.006%). This variant has not been reported in the literature in individuals affected with BCL11B-related conditions. ClinVar contains an entry for this variant (Variation ID: 2671733). Invitae Evidence Modeling of protein sequence and biophysical properties (such as structural, functional, and spatial information, amino acid conservation, physicochemical variation, residue mobility, and thermodynamic stability) indicates that this missense variant is not expected to disrupt BCL11B protein function with a negative predictive value of 95%. In summary, the available evidence is currently insufficient to determine the role of this variant in disease. Therefore, it has been classified as a Variant of Uncertain Significance.

Neuberg Centre For Genomic Medicine, NCGM
Classification: Uncertain significance for Immunodeficiency 49. Last evaluated: 2023-02-14. Review status: criteria provided, single submitter. Criteria: ACMG Guidelines, 2015. Collection method: clinical testing. Allele origin: germline. Inheritance: Autosomal dominant inheritance. Affected: yes.
Comment: The missense c.307C>A (p.Arg103Ser) variant in BCL11B gene has not been reported previously as a pathogenic variant nor a benign variant, to our knowledge. The p.Arg103Ser variant has been reported with allele frequency of 0.0008% in gnomAD Exomes and is novel (not in any individuals) in 1000 Genomes. This variant has not been reported to the ClinVar database. The amino acid change p.Arg103Ser in BCL11B is predicted as conserved by GERP++ and PhyloP across 100 vertebrates. The amino acid Arg at position 103 is changed to a Ser changing protein sequence and it might alter its composition and physico-chemical properties. For these reasons, this variant has been classified as a Variant of Uncertain Significance (VUS).

NM_138576.4(BCL11B):c.307C>A (p.Arg103Ser)

Gene: BCL11B (BCL11 transcription factor B; minus strand). Cytogenetic location: 14q32.2.
Variant type: single nucleotide variant.
Coding change: c.307C>A on transcript NM_138576.4 (MANE Select); coding-DNA position 307, C replaced by A.
Protein change: p.Arg103Ser; replaces arginine 103 with serine.
Molecular consequence: missense variant.
Genome position (GRCh38, 1-based): chr14:99,257,591, G>T on the plus strand (C>A on the coding strand, the complement: BCL11B is on the minus strand). VCF-style: chr14-99257591-G-T. GRCh37 (hg19) VCF-style: chr14-99723928-G-T.
Other names: c.304C>A, p.Arg102Ser (NM_001282237.2, NM_001282238.2); c.307C>A, p.Arg103Ser (NM_022898.3); short protein forms R102S, R103S.
Identifiers: ClinVar variation 2671733 (VCV002671733.3), dbSNP rs201749852, ClinGen allele CA7339922.